The following is an entry in ClinVar:

ClinVar aggregate classification (germline): Benign (1 of 4 stars; one submission).

Allele frequency attached by ClinVar (database versions not stated): gnomAD 0.03013 and 0.02784; 1000 Genomes Project 30x 0.03529; 1000 Genomes Project 0.03195; TOPMed 0.02978.
gnomAD v4.1: 4,211 of 152,242 alleles (2.8%); highest among the groups gnomAD compares: African/African-American, 9.5%; 225 homozygotes.

Submissions (2):

GeneDx
Classification: Benign. Last evaluated: 2018-06-14. Review status: criteria provided, single submitter. Criteria: GeneDx Variant Classification (06012015). Collection method: clinical testing. Allele origin: germline. Affected: yes.
Comment: This variant is considered likely benign or benign based on one or more of the following criteria: it is a conservative change, it occurs at a poorly conserved position in the protein, it is predicted to be benign by multiple in silico algorithms, and/or has population frequency not consistent with disease.

Dr. Peter K. Rogan Lab, Western University
No classification provided (evidence only). Condition: Sarcoma. Review status: no classification provided. Collection method: in vitro. Allele origin: not applicable. Functional consequence: retained intron. Not counted in ClinVar's aggregate classification.

NM_001371727.1(GABRB2):c.1078-233T>G

Gene: GABRB2 (gamma-aminobutyric acid type A receptor subunit beta2; minus strand). Cytogenetic location: 5q34.
Variant type: single nucleotide variant.
Coding change: c.1078-233T>G on transcript NM_001371727.1 (MANE Select); 233 bases into the intron before coding-DNA position 1078, T replaced by G.
Molecular consequence: intron variant.
Genome position (GRCh38, 1-based): chr5:161,326,714, A>C on the plus strand (T>G on the coding strand, the complement: GABRB2 is on the minus strand). VCF-style: chr5-161326714-A-C. GRCh37 (hg19) VCF-style: chr5-160753721-A-C.
Other names: NC_000005.9:g.160753721A>C; c.1077+4169T>G (NM_000813.3); c.1078-233T>G (NM_021911.3).
Identifiers: ClinVar variation 677505 (VCV000677505.2), dbSNP rs79159214, ClinGen allele CA131019574.
Genomic context (GRCh38, chr5:161,326,714, plus strand): 5'-AAAAACATCAAATTCCAAGCAGTAGAAATAAATTGATTGAAAATATCTTAGTGGCTTTAC[A>C]TTAGAAAAGATTACACACAATGGATAAAGACAACACAAAGAGTCACAGCACCCATGAATG-3'